The following is an entry in ClinVar:

ClinVar aggregate classification (germline): Uncertain significance (1 of 4 stars; one submission).

Submission:

Labcorp Genetics (formerly Invitae), Labcorp
Classification: Uncertain significance. Last evaluated: 2023-12-07. Review status: criteria provided, single submitter. Criteria: Invitae Variant Classification Sherloc (09022015). Collection method: clinical testing. Allele origin: germline.
Comment: This sequence change replaces glycine, which is neutral and non-polar, with arginine, which is basic and polar, at codon 33 of the SLC25A32 protein (p.Gly33Arg). This variant is not present in population databases (gnomAD no frequency). This variant has not been reported in the literature in individuals affected with SLC25A32-related conditions. Advanced modeling of protein sequence and biophysical properties (such as structural, functional, and spatial information, amino acid conservation, physicochemical variation, residue mobility, and thermodynamic stability) performed at Invitae indicates that this missense variant is expected to disrupt SLC25A32 protein function with a positive predictive value of 80%. In summary, the available evidence is currently insufficient to determine the role of this variant in disease. Therefore, it has been classified as a Variant of Uncertain Significance.

NM_030780.5(SLC25A32):c.97G>C (p.Gly33Arg)

Gene: SLC25A32 (solute carrier family 25 member 32; minus strand). Cytogenetic location: 8q22.3.
Variant type: single nucleotide variant.
Coding change: c.97G>C on transcript NM_030780.5 (MANE Select); coding-DNA position 97, G replaced by C.
Protein change: p.Gly33Arg; replaces glycine 33 with arginine.
Molecular consequence: missense variant. On other transcripts: non-coding transcript variant (2).
Genome position (GRCh38, 1-based): chr8:103,414,841, C>G on the plus strand (G>C on the coding strand, the complement: SLC25A32 is on the minus strand). VCF-style: chr8-103414841-C-G. GRCh37 (hg19) VCF-style: chr8-104427069-C-G.
Other names: short protein forms G33R.
Identifiers: ClinVar variation 2775955 (VCV002775955.3), dbSNP rs1816560324, ClinGen allele CA371632326.